The following is an entry in ClinVar:

NM_152515.5(CKAP2L):c.1186A>G (p.Ile396Val)

Gene: CKAP2L (cytoskeleton associated protein 2 like; minus strand). Cytogenetic location: 2q14.1.
Variant type: single nucleotide variant.
Coding change: c.1186A>G on transcript NM_152515.5 (MANE Select); coding-DNA position 1186, A replaced by G.
Protein change: p.Ile396Val; replaces isoleucine 396 with valine.
Molecular consequence: missense variant.
Genome position (GRCh38, 1-based): chr2:112,756,185, T>C on the plus strand (A>G on the coding strand, the complement: CKAP2L is on the minus strand). VCF-style: chr2-112756185-T-C. GRCh37 (hg19) VCF-style: chr2-113513762-T-C.
Other names: c.691A>G, p.Ile231Val (NM_001304361.2); short protein forms I396V, I231V.
Identifiers: ClinVar variation 2184979 (VCV002184979.5), dbSNP rs772245567, ClinGen allele CA1836707.

ClinVar aggregate classification (germline): Conflicting classifications of pathogenicity. Review status: criteria provided, conflicting classifications (1 of 4 stars). 2 submissions from 2 submitters: Uncertain significance (1); Likely benign (1). Last evaluated 2024-09-20.

Conditions:
Filippi syndrome (FLPIS). Identifiers: Orphanet 3255, MedGen C0795940, MONDO:0010092, OMIM 272440.

Allele frequency attached by ClinVar (database versions not stated): TOPMed 0.00001; ExAC 0.00002; gnomAD exomes 0.00002; gnomAD 0.00003.
gnomAD v4.1: 36 of 1,614,176 alleles (0.0022%); highest among the groups gnomAD compares: Middle Eastern, 0.18%; no homozygotes.

Submissions (2):

3billion
Classification: Likely benign for Filippi syndrome. Last evaluated: 2024-09-20. Review status: criteria provided, single submitter. Criteria: ACMG Guidelines, 2015. Collection method: clinical testing. Allele origin: germline. Affected: no.
Comment: The homozygous variant was found in patients diagnosed with another variant in a different gene, with no symptoms related to the gene containing the homozygous variant.

Labcorp Genetics (formerly Invitae), Labcorp
Classification: Uncertain significance. Last evaluated: 2022-07-31. Review status: criteria provided, single submitter. Criteria: Invitae Variant Classification Sherloc (09022015). Collection method: clinical testing. Allele origin: germline.
Comment: In summary, the available evidence is currently insufficient to determine the role of this variant in disease. Therefore, it has been classified as a Variant of Uncertain Significance. Algorithms developed to predict the effect of sequence changes on RNA splicing suggest that this variant may create or strengthen a splice site. Algorithms developed to predict the effect of missense changes on protein structure and function output the following: SIFT: "Tolerated"; PolyPhen-2: "Benign"; Align-GVGD: "Class C0". The valine amino acid residue is found in multiple mammalian species, which suggests that this missense change does not adversely affect protein function. This variant has not been reported in the literature in individuals affected with CKAP2L-related conditions. This variant is present in population databases (rs772245567, gnomAD 0.003%). This sequence change replaces isoleucine, which is neutral and non-polar, with valine, which is neutral and non-polar, at codon 396 of the CKAP2L protein (p.Ile396Val).